The following is an entry in ClinVar:

NM_032603.5(LOXL3):c.1237G>A (p.Ala413Thr)

Gene: LOXL3 (lysyl oxidase like 3; minus strand). Cytogenetic location: 2p13.1.
Variant type: single nucleotide variant.
Coding change: c.1237G>A on transcript NM_032603.5 (MANE Select); coding-DNA position 1237, G replaced by A.
Protein change: p.Ala413Thr; replaces alanine 413 with threonine.
Molecular consequence: missense variant.
Genome position (GRCh38, 1-based): chr2:74,536,007, C>T on the plus strand (G>A on the coding strand, the complement: LOXL3 is on the minus strand). VCF-style: chr2-74536007-C-T. GRCh37 (hg19) VCF-style: chr2-74763134-C-T.
Other names: c.802G>A, p.Ala268Thr (NM_001289164.3); c.154G>A, p.Ala52Thr (NM_001289165.2); c.1237G>A (NM_032603.2, NM_032603.4); short protein forms A52T, A268T, A413T.
Identifiers: ClinVar variation 1403383 (VCV001403383.6), dbSNP rs1226699915, ClinGen allele CA347388368.

ClinVar aggregate classification (germline): Uncertain significance. Review status: criteria provided, multiple submitters, no conflicts (2 of 4 stars). 3 submissions from 3 submitters: Uncertain significance (3). Last evaluated 2025-11-13.

Conditions:
LOXL3-related disorder. Also called: LOXL3-related condition.

Allele frequency attached by ClinVar (database versions not stated): gnomAD 0.00002 and 0.00003; TOPMed 0.00002; gnomAD exomes below 0.00001 and 0.00001.
gnomAD v4.1: 14 of 1,576,834 alleles (0.00089%); highest among the groups gnomAD compares: East Asian, 0.0022%; no homozygotes.

Submissions (3):

Ambry Genetics
Classification: Uncertain significance. Last evaluated: 2025-11-13. Review status: criteria provided, single submitter. Criteria: Ambry Variant Classification Scheme 2023. Collection method: clinical testing. Allele origin: germline.

PreventionGenetics, part of Exact Sciences
Classification: Uncertain significance for LOXL3-related condition. Last evaluated: 2025-10-20. Review status: criteria provided, single submitter. Criteria: ACMG Guidelines, 2015. Collection method: clinical testing. Allele origin: germline.
Comment: The LOXL3 c.1237G>A variant is predicted to result in the amino acid substitution p.Ala413Thr. To our knowledge, this variant has not been reported in the literature. This variant is reported in 0.0052% of alleles in individuals of East Asian descent in gnomAD. At this time, the clinical significance of this variant is uncertain due to the absence of conclusive functional and genetic evidence.

Labcorp Genetics (formerly Invitae), Labcorp
Classification: Uncertain significance. Last evaluated: 2022-04-03. Review status: criteria provided, single submitter. Criteria: Invitae Variant Classification Sherloc (09022015). Collection method: clinical testing. Allele origin: germline.
Comment: This sequence change replaces alanine, which is neutral and non-polar, with threonine, which is neutral and polar, at codon 413 of the LOXL3 protein (p.Ala413Thr). The frequency data for this variant in the population databases is considered unreliable, as metrics indicate poor data quality at this position in the gnomAD database. This variant has not been reported in the literature in individuals affected with LOXL3-related conditions. Algorithms developed to predict the effect of missense changes on protein structure and function (SIFT, PolyPhen-2, Align-GVGD) all suggest that this variant is likely to be tolerated. In summary, the available evidence is currently insufficient to determine the role of this variant in disease. Therefore, it has been classified as a Variant of Uncertain Significance.